The following is an entry in ClinVar:

NM_000059.4(BRCA2):c.7805+671T>C

Gene: BRCA2 (BRCA2 DNA repair associated; plus strand). Cytogenetic location: 13q13.1.
Variant type: single nucleotide variant.
Coding change: c.7805+671T>C on transcript NM_000059.4 (MANE Select); 671 bases into the intron after coding-DNA position 7805, T replaced by C.
Molecular consequence: intron variant.
Genome position (GRCh38, 1-based): chr13:32,358,600, T>C. VCF-style: chr13-32358600-T-C. GRCh37 (hg19) VCF-style: chr13-32932737-T-C.
Other names: IVS 16+671T>C.
Identifiers: ClinVar variation 209761 (VCV000209761.1), dbSNP rs11842816, ClinGen allele CA276729.
Genomic context (GRCh38, chr13:32,358,600, plus strand): 5'-CCAGCACTTTGGGAGGCTGAGGTGGGCAGATCTCTTGAGCACAGGAGTTTGAGACCAGCC[T>C]GGGCAACATGGTGAAAACCCATCTCTACAAACAAATTAAAAAATTAGCCCAGCCAGGCGC-3'

ClinVar aggregate classification (germline): Benign (3 of 4 stars; one submission).

Conditions:
Breast-ovarian cancer, familial, susceptibility to, 2 (BROVCA2). Also called: BRCA2 Hereditary Breast and Ovarian Cancer. Identifiers: Orphanet 145, MedGen C2675520, MONDO:0012933, OMIM 612555. Disease mechanism: loss of function.

Allele frequency attached by ClinVar (database versions not stated): gnomAD 0.00215 and 0.00221; TOPMed 0.00222; 1000 Genomes Project 0.00240; 1000 Genomes Project 30x 0.00250.
gnomAD v4.1: 322 of 151,978 alleles (0.21%); highest among the groups gnomAD compares: African/African-American, 0.75%; 3 homozygotes.

Submission:

Evidence-based Network for the Interpretation of Germline Mutant Alleles (ENIGMA)
Classification: Benign for Breast-ovarian cancer, familial 2. Last evaluated: 2015-01-12. Review status: reviewed by expert panel. Criteria: ENIGMA BRCA1/2 Classification Criteria (2015). Collection method: curation. Allele origin: germline.
Comment: Class 1 not pathogenic based on frequency >1% in an outbred sampleset. Frequency 0.02033 (African), derived from 1000 genomes (2012-04-30).